The following is an entry in ClinVar:

ClinVar aggregate classification (germline): Uncertain significance (1 of 4 stars; one submission).

Allele frequency attached by ClinVar (database versions not stated): gnomAD exomes below 0.00001; TOPMed below 0.00001; ExAC 0.00001; gnomAD 0.00001.
gnomAD v4.1: 5 of 1,613,340 alleles (0.00031%); highest among the groups gnomAD compares: Admixed American, 0.0017%; no homozygotes.

Submission:

Labcorp Genetics (formerly Invitae), Labcorp
Classification: Uncertain significance. Last evaluated: 2025-08-17. Review status: criteria provided, single submitter. Criteria: Invitae Variant Classification Sherloc (09022015). Collection method: clinical testing. Allele origin: germline.
Comment: This sequence change replaces arginine, which is basic and polar, with glutamine, which is neutral and polar, at codon 345 of the RELB protein (p.Arg345Gln). This variant is not present in population databases (gnomAD no frequency). This variant has not been reported in the literature in individuals affected with RELB-related conditions. ClinVar contains an entry for this variant (Variation ID: 1473276). An algorithm developed to predict the effect of missense changes on protein structure and function (PolyPhen-2) suggests that this variant is likely to be disruptive. In summary, the available evidence is currently insufficient to determine the role of this variant in disease. Therefore, it has been classified as a Variant of Uncertain Significance.

NM_006509.4(RELB):c.1034G>A (p.Arg345Gln)

Gene: RELB (RELB proto-oncogene, NF-kB subunit; plus strand). Cytogenetic location: 19q13.32.
Variant type: single nucleotide variant.
Coding change: c.1034G>A on transcript NM_006509.4 (MANE Select); coding-DNA position 1034, G replaced by A.
Protein change: p.Arg345Gln; replaces arginine 345 with glutamine.
Molecular consequence: missense variant.
Genome position (GRCh38, 1-based): chr19:45,032,576, G>A. VCF-style: chr19-45032576-G-A. GRCh37 (hg19) VCF-style: chr19-45535834-G-A.
Other names: short protein forms R345Q.
Identifiers: ClinVar variation 1473276 (VCV001473276.8), dbSNP rs759035059, ClinGen allele CA9507728.